The following is an entry in ClinVar:

NM_016284.5(CNOT1):c.1888G>A (p.Gly630Arg)

Gene: CNOT1 (CCR4-NOT transcription complex subunit 1; minus strand). Cytogenetic location: 16q21.
Variant type: single nucleotide variant.
Coding change: c.1888G>A on transcript NM_016284.5 (MANE Select); coding-DNA position 1888, G replaced by A.
Protein change: p.Gly630Arg; replaces glycine 630 with arginine.
Molecular consequence: missense variant. On other transcripts: non-coding transcript variant (1).
Genome position (GRCh38, 1-based): chr16:58,574,700, C>T on the plus strand (G>A on the coding strand, the complement: CNOT1 is on the minus strand). VCF-style: chr16-58574700-C-T. GRCh37 (hg19) VCF-style: chr16-58608604-C-T.
Other names: c.1888G>A, p.Gly630Arg (NM_001265612.2, NM_206999.3); short protein forms G630R.
Identifiers: ClinVar variation 1972542 (VCV001972542.5), dbSNP rs150528737, ClinGen allele CA8089817.
Genomic context (GRCh38, chr16:58,574,700, plus strand): 5'-TCGCCAAAGTTTCTGGAGGAAGTTGAGCACTTTTGGGCTGGTCTTTTTCTGGGGCAAGTC[C>T]GCCCAAAATAGAAGGACACCGTCTCTTTAAAAAAGTCATACACGCCTGGATAAAAGGCTC-3'
Protein context (NP_057368.3, residues 620-640): LKRRCPSILG[Gly630Arg]LAPEKDQPKS

ClinVar aggregate classification (germline): Uncertain significance (1 of 4 stars; one submission).

Allele frequency attached by ClinVar (database versions not stated): ExAC 0.00002; gnomAD 0.00002; TOPMed 0.00003; gnomAD exomes 0.00005; ESP Exome Variant Server 0.00008.
gnomAD v4.1: 80 of 1,608,070 alleles (0.005%); highest among the groups gnomAD compares: Non-Finnish European, 0.0061%; no homozygotes.

Submission:

Labcorp Genetics (formerly Invitae), Labcorp
Classification: Uncertain significance. Last evaluated: 2024-06-29. Review status: criteria provided, single submitter. Criteria: Invitae Variant Classification Sherloc (09022015). Collection method: clinical testing. Allele origin: germline.
Comment: This sequence change replaces glycine, which is neutral and non-polar, with arginine, which is basic and polar, at codon 630 of the CNOT1 protein (p.Gly630Arg). This variant is present in population databases (rs150528737, gnomAD 0.003%). This variant has not been reported in the literature in individuals affected with CNOT1-related conditions. ClinVar contains an entry for this variant (Variation ID: 1972542). An algorithm developed to predict the effect of missense changes on protein structure and function (PolyPhen-2) suggests that this variant is likely to be disruptive. Algorithms developed to predict the effect of sequence changes on RNA splicing suggest that this variant may create or strengthen a splice site. In summary, the available evidence is currently insufficient to determine the role of this variant in disease. Therefore, it has been classified as a Variant of Uncertain Significance.